The following is an entry in ClinVar:

ClinVar aggregate classification (germline): Pathogenic (1 of 4 stars; one submission).

Conditions:
Pseudo-Hurler polydystrophy. Also called: ML III; ML III ALPHA/BETA; MUCOLIPIDOSIS IIIA; Type III Mucolipidosis; ML IIIA; Mucolipidosis III Alpha/Beta. Identifiers: Orphanet 423461, Orphanet 577, MedGen C0033788, MONDO:0018931, OMIM 252600.
Mucolipidosis type II. Also called: ML II ALPHA/BETA; Mucolipidosis 2; ML 2; Inclusion cell disease; Leroy Disease; N-acetylglucosamine 1phosphotransferase deficiency. Identifiers: Orphanet 576, MedGen C2673377, MONDO:0009650, OMIM 252500.

Submission:

Labcorp Genetics (formerly Invitae), Labcorp
Classification: Pathogenic for Pseudo-Hurler polydystrophy; Mucolipidosis type II. Last evaluated: 2025-11-12. Review status: criteria provided, single submitter. Criteria: Invitae Variant Classification Sherloc (09022015). Collection method: clinical testing. Allele origin: germline.
Comment: This sequence change creates a premature translational stop signal (p.Glu396*) in the GNPTAB gene. It is expected to result in an absent or disrupted protein product. Loss-of-function variants in GNPTAB are known to be pathogenic (PMID: 19617216, 25107912). This variant is not present in population databases (gnomAD no frequency). This variant has not been reported in the literature in individuals affected with GNPTAB-related conditions. ClinVar contains an entry for this variant (Variation ID: 1396985). For these reasons, this variant has been classified as Pathogenic.

Literature cited by the submitters: PubMed 19617216; PubMed 25107912.

NM_024312.5(GNPTAB):c.1186G>T (p.Glu396Ter)

Gene: GNPTAB (N-acetylglucosamine-1-phosphate transferase subunits alpha and beta; minus strand). Cytogenetic location: 12q23.2.
Variant type: single nucleotide variant.
Coding change: c.1186G>T on transcript NM_024312.5 (MANE Select); coding-DNA position 1186, G replaced by T.
Protein change: p.Glu396Ter; replaces glutamic acid 396 with a stop codon.
Molecular consequence: nonsense.
Genome position (GRCh38, 1-based): chr12:101,770,119, C>A on the plus strand (G>T on the coding strand, the complement: GNPTAB is on the minus strand). VCF-style: chr12-101770119-C-A. GRCh37 (hg19) VCF-style: chr12-102163897-C-A.
Other names: short protein forms E396*.
Identifiers: ClinVar variation 1396985 (VCV001396985.6), dbSNP rs1245543262, ClinGen allele CA386302672.